The following is an entry in ClinVar:

ClinVar aggregate classification (germline): Uncertain significance (1 of 4 stars; one submission).

gnomAD v4.1: 22 of 1,613,366 alleles (0.0014%); highest among the groups gnomAD compares: African/African-American, 0.004%; no homozygotes.

Submission:

CeGaT Center for Human Genetics Tuebingen
Classification: Uncertain significance. Last evaluated: 2024-05-01. Review status: criteria provided, single submitter. Criteria: CeGaT Center For Human Genetics Tuebingen Variant Classification Criteria Version 2. Collection method: clinical testing. Allele origin: germline. Affected: yes. Observed: 1 variant allele.
Comment: OTOGL: PM2:Supporting

NM_001378609.3(OTOGL):c.2268G>A (p.Ser756=)

Gene: OTOGL (otogelin like; plus strand). Cytogenetic location: 12q21.31.
Variant type: single nucleotide variant.
Coding change: c.2268G>A on transcript NM_001378609.3 (MANE Select); coding-DNA position 2268, G replaced by A.
Protein change: p.Ser756=; no amino-acid change (serine 756 retained).
Molecular consequence: synonymous variant.
Genome position (GRCh38, 1-based): chr12:80,266,494, G>A. VCF-style: chr12-80266494-G-A. GRCh37 (hg19) VCF-style: chr12-80660274-G-A.
Other names: c.2268G>A, p.Ser756= (NM_001368062.3, NM_001378610.3, NM_173591.7).
Identifiers: ClinVar variation 3239299 (VCV003239299.19), dbSNP rs1036677659.